The following is an entry in ClinVar:

NM_001293298.2(CEMIP):c.321G>A (p.Leu107=)

Gene: CEMIP (cell migration inducing hyaluronidase 1; plus strand). Cytogenetic location: 15q25.1.
Variant type: single nucleotide variant.
Coding change: c.321G>A on transcript NM_001293298.2 (MANE Select); coding-DNA position 321, G replaced by A.
Protein change: p.Leu107=; no amino-acid change (leucine 107 retained).
Molecular consequence: synonymous variant.
Genome position (GRCh38, 1-based): chr15:80,879,795, G>A. VCF-style: chr15-80879795-G-A. GRCh37 (hg19) VCF-style: chr15-81172136-G-A.
Other names: c.321G>A, p.Leu107= (NM_001293304.2, NM_018689.3).
Identifiers: ClinVar variation 3050089 (VCV003050089.2), dbSNP rs529232270, ClinGen allele CA7692611.
Genomic context (GRCh38, chr15:80,879,795, plus strand): 5'-CCACGACGAGCCGATTGTTTTGCGAACCCGGCACATCCTGATTGACAACGGAGGAGAGCT[G>A]CATGCTGGGAGTGCCCTCTGCCCTTTCCAGGGCAATTTCACCATCATTTTGTATGGAAGG-3'
Protein context (NP_001280227.1, residues 97-117): RHILIDNGGE[Leu107=]HAGSALCPFQ

ClinVar aggregate classification (germline): Likely benign (0 of 4 stars; one submission).

Conditions:
CEMIP-related disorder. Also called: CEMIP-related condition.

Allele frequency attached by ClinVar (database versions not stated): gnomAD exomes below 0.00001; ExAC 0.00002; TOPMed 0.00004; gnomAD 0.00005; 1000 Genomes Project 30x 0.00016; 1000 Genomes Project 0.00020.
gnomAD v4.1: 12 of 1,614,198 alleles (0.00074%); highest among the groups gnomAD compares: African/African-American, 0.015%; no homozygotes.

Submission:

PreventionGenetics, part of Exact Sciences
Classification: Likely benign for CEMIP-related condition. Last evaluated: 2019-07-12. Review status: no assertion criteria provided. Collection method: clinical testing. Allele origin: germline.
Comment: This variant is classified as likely benign based on ACMG/AMP sequence variant interpretation guidelines (Richards et al. 2015 PMID: 25741868, with internal and published modifications).